The following is an entry in ClinVar:

NM_004082.5(DCTN1):c.3597C>T (p.Val1199=)

Gene: DCTN1 (dynactin subunit 1; minus strand). Cytogenetic location: 2p13.1.
Variant type: single nucleotide variant.
Coding change: c.3597C>T on transcript NM_004082.5 (MANE Select); coding-DNA position 3597, C replaced by T.
Protein change: p.Val1199=; no amino-acid change (valine 1199 retained).
Molecular consequence: synonymous variant. On other transcripts: non-coding transcript variant (1).
Genome position (GRCh38, 1-based): chr2:74,362,662, G>A on the plus strand (C>T on the coding strand, the complement: DCTN1 is on the minus strand). VCF-style: chr2-74362662-G-A. GRCh37 (hg19) VCF-style: chr2-74589789-G-A.
Other names: c.3522C>T, p.Val1174= (NM_001135040.3); c.3180C>T, p.Val1060= (NM_001135041.3); c.3471C>T, p.Val1157= (NM_001190836.2); c.3576C>T, p.Val1192= (NM_001190837.2); c.3546C>T, p.Val1182= (NM_001378991.1); c.3528C>T, p.Val1176= (NM_001378992.1); c.3195C>T, p.Val1065= (NM_023019.4).
Identifiers: ClinVar variation 536167 (VCV000536167.13), dbSNP rs767954436, ClinGen allele CA1721433.
Genomic context (GRCh38, chr2:74,362,662, plus strand): 5'-CACCAGTTTATGCTGTGAAGTGAGCTCTGCCTGGCAAACTGAGCTGACCTTGAGCTTCTC[G>A]ACGGTGTCACTCAGGGACTTAAGCTGAGCCACTTGCTCCATAAGTTGGGCCGACGGGCTC-3'
Protein context (NP_004073.2, residues 1189-1209): VAQLKSLSDT[Val1199=]EKLKDEVLKE

ClinVar aggregate classification (germline): Likely benign. Review status: criteria provided, multiple submitters, no conflicts (2 of 4 stars). 3 submissions from 3 submitters: Likely benign (2). 1 of the submissions does not count toward it. Last evaluated 2024-05-31.

Conditions:
Inborn genetic diseases. Identifiers: MedGen C0950123, MeSH D030342.
DCTN1-related disorder. Also called: DCTN1-related condition.
Amyotrophic lateral sclerosis type 1 (ALS1). Also called: AMYOTROPHIC LATERAL SCLEROSIS 1, FAMILIAL. Identifiers: Orphanet 803, MedGen C1862939, MONDO:0007103, OMIM 105400.
Neuronopathy, distal hereditary motor, type 7B. Also called: HMN VIIB; LOWER MOTOR NEURON DISEASE, DYNACTIN TYPE; Distal Hereditary Motor Neuronopathy Type 7B (dHMN7B); NEURONOPATHY, DISTAL HEREDITARY MOTOR, AUTOSOMAL DOMINANT 14; NEURONOPATHY, DISTAL HEREDITARY MOTOR, HARDING TYPE VIIB; NEUROPATHY, DISTAL HEREDITARY MOTOR, HARDING TYPE VIIB. Identifiers: Orphanet 139589, MedGen C1843315, MONDO:0011879, OMIM 607641.
Perry syndrome. Also called: PARKINSONISM WITH ALVEOLAR HYPOVENTILATION AND MENTAL DEPRESSION. Identifiers: Orphanet 178509, MedGen C1868594, MONDO:0008201, OMIM 168605.

Allele frequency attached by ClinVar (database versions not stated): gnomAD exomes 0.00001 and 0.00002; ExAC 0.00002; gnomAD 0.00003 and 0.00004; TOPMed 0.00006.

Submissions (3):

Labcorp Genetics (formerly Invitae), Labcorp
Classification: Likely benign for Amyotrophic lateral sclerosis type 1; Neuronopathy, distal hereditary motor, type 7B; Perry syndrome. Last evaluated: 2024-05-31. Review status: criteria provided, single submitter. Criteria: Invitae Variant Classification Sherloc (09022015). Collection method: clinical testing. Allele origin: germline.

Ambry Genetics
Classification: Likely benign for Inborn genetic diseases. Last evaluated: 2019-07-11. Review status: criteria provided, single submitter. Criteria: Ambry Variant Classification Scheme 2023. Collection method: clinical testing. Allele origin: germline.

PreventionGenetics, part of Exact Sciences
Classification: Likely benign for DCTN1-related condition. Last evaluated: 2021-12-08. Review status: no assertion criteria provided. Collection method: clinical testing. Allele origin: germline. Not counted in ClinVar's aggregate classification.
Comment: This variant is classified as likely benign based on ACMG/AMP sequence variant interpretation guidelines (Richards et al. 2015 PMID: 25741868, with internal and published modifications).